The following is an entry in ClinVar:

NM_004530.6(MMP2):c.1751C>T (p.Ala584Val)

Gene: MMP2 (matrix metallopeptidase 2; plus strand). Cytogenetic location: 16q12.2.
Variant type: single nucleotide variant.
Coding change: c.1751C>T on transcript NM_004530.6 (MANE Select); coding-DNA position 1751, C replaced by T.
Protein change: p.Ala584Val; replaces alanine 584 with valine.
Molecular consequence: missense variant.
Genome position (GRCh38, 1-based): chr16:55,498,430, C>T. VCF-style: chr16-55498430-C-T. GRCh37 (hg19) VCF-style: chr16-55532342-C-T.
Other names: c.1601C>T, p.Ala534Val (NM_001127891.3); c.1523C>T, p.Ala508Val (NM_001302508.1, NM_001302509.2, NM_001302510.2); short protein forms A508V, A584V, A534V.
Identifiers: ClinVar variation 2164935 (VCV002164935.1), dbSNP rs754436553, ClinGen allele CA8060545.

ClinVar aggregate classification (germline): Uncertain significance (1 of 4 stars; one submission).

Allele frequency attached by ClinVar (database versions not stated): gnomAD 0.00001; TOPMed 0.00001; ExAC 0.00002; gnomAD exomes 0.00002.
gnomAD v4.1: 25 of 1,614,094 alleles (0.0015%); highest among the groups gnomAD compares: South Asian, 0.0044%; no homozygotes.

Submission:

Labcorp Genetics (formerly Invitae), Labcorp
Classification: Uncertain significance. Last evaluated: 2022-06-26. Review status: criteria provided, single submitter. Criteria: Invitae Variant Classification Sherloc (09022015). Collection method: clinical testing. Allele origin: germline.
Comment: This sequence change replaces alanine, which is neutral and non-polar, with valine, which is neutral and non-polar, at codon 584 of the MMP2 protein (p.Ala584Val). This variant is present in population databases (rs754436553, gnomAD 0.01%). This variant has not been reported in the literature in individuals affected with MMP2-related conditions. Algorithms developed to predict the effect of missense changes on protein structure and function are either unavailable or do not agree on the potential impact of this missense change (SIFT: "Deleterious"; PolyPhen-2: "Benign"; Align-GVGD: "Class C0"). In summary, the available evidence is currently insufficient to determine the role of this variant in disease. Therefore, it has been classified as a Variant of Uncertain Significance.